The following is an entry in ClinVar:

NM_002055.5(GFAP):c.496G>A (p.Glu166Lys)

Gene: GFAP (glial fibrillary acidic protein; minus strand). Cytogenetic location: 17q21.31.
Variant type: single nucleotide variant.
Coding change: c.496G>A on transcript NM_002055.5 (MANE Select); coding-DNA position 496, G replaced by A.
Protein change: p.Glu166Lys; replaces glutamic acid 166 with lysine.
Molecular consequence: missense variant.
Genome position (GRCh38, 1-based): chr17:44,914,054, C>T on the plus strand (G>A on the coding strand, the complement: GFAP is on the minus strand). VCF-style: chr17-44914054-C-T. GRCh37 (hg19) VCF-style: chr17-42991422-C-T.
Other names: c.496G>A, p.Glu166Lys (NM_001131019.3, NM_001242376.3, NM_001363846.2); short protein forms E166K.
Identifiers: ClinVar variation 2142370 (VCV002142370.3), dbSNP rs770076335, ClinGen allele CA8609001.
Genomic context (GRCh38, chr17:44,914,054, plus strand): 5'-TCCCTCCCCTGCCCCTCCCCTCCACCTCCCTGACCTGTCTATAGGCAGCCAGGTTGTTCT[C>T]GGCTTCCAGCCTCAGGTTGGTTTCATCCTGGAGCCTGGAGTGGGGGGACACATTCCTGGG-3'
Protein context (NP_002046.1, residues 156-176): QDETNLRLEA[Glu166Lys]NNLAAYRQEA

ClinVar aggregate classification (germline): Uncertain significance (1 of 4 stars; one submission).

Allele frequency attached by ClinVar (database versions not stated): gnomAD exomes below 0.00001; gnomAD 0.00001; TOPMed 0.00002.
gnomAD v4.1: 6 of 1,557,904 alleles (0.00039%); highest among the groups gnomAD compares: Admixed American, 0.0039%; no homozygotes.

Submission:

Labcorp Genetics (formerly Invitae), Labcorp
Classification: Uncertain significance. Last evaluated: 2024-12-02. Review status: criteria provided, single submitter. Criteria: Invitae Variant Classification Sherloc (09022015). Collection method: clinical testing. Allele origin: germline.
Comment: This sequence change replaces glutamic acid, which is acidic and polar, with lysine, which is basic and polar, at codon 166 of the GFAP protein (p.Glu166Lys). The frequency data for this variant in the population databases is considered unreliable, as metrics indicate poor data quality at this position in the gnomAD database. This variant has not been reported in the literature in individuals affected with GFAP-related conditions. ClinVar contains an entry for this variant (Variation ID: 2142370). Invitae Evidence Modeling of protein sequence and biophysical properties (such as structural, functional, and spatial information, amino acid conservation, physicochemical variation, residue mobility, and thermodynamic stability) indicates that this missense variant is expected to disrupt GFAP protein function with a positive predictive value of 95%. In summary, the available evidence is currently insufficient to determine the role of this variant in disease. Therefore, it has been classified as a Variant of Uncertain Significance.